The following is an entry in ClinVar:

ClinVar aggregate classification (germline): Likely benign (1 of 4 stars; one submission).

Conditions:
POMC-related disorder. Also called: POMC-related condition; POMC-related disorders.

Submission:

PreventionGenetics, part of Exact Sciences
Classification: Likely benign for POMC-related condition. Last evaluated: 2025-01-20. Review status: criteria provided, single submitter. Criteria: ACMG Guidelines, 2015. Collection method: clinical testing. Allele origin: germline.
Comment: This variant is classified as likely benign based on ACMG/AMP sequence variant interpretation guidelines (Richards et al. 2015 PMID: 25741868, with internal and published modifications).

NM_000939.4(POMC):c.114C>T (p.Thr38=)

Gene: POMC (proopiomelanocortin; minus strand). Cytogenetic location: 2p23.3.
Variant type: single nucleotide variant.
Coding change: c.114C>T on transcript NM_000939.4 (MANE Select); coding-DNA position 114, C replaced by T.
Protein change: p.Thr38=; no amino-acid change (threonine 38 retained).
Molecular consequence: synonymous variant.
Genome position (GRCh38, 1-based): chr2:25,164,659, G>A on the plus strand (C>T on the coding strand, the complement: POMC is on the minus strand). VCF-style: chr2-25164659-G-A. GRCh37 (hg19) VCF-style: chr2-25387528-G-A.
Other names: c.114C>T, p.Thr38= (NM_001035256.3, NM_001319204.2, NM_001319205.2).
Identifiers: ClinVar variation 4979022 (VCV004979022.1).